The following is an entry in ClinVar:

ClinVar aggregate classification (germline): Uncertain significance (1 of 4 stars; one submission).

Allele frequency attached by ClinVar (database versions not stated): gnomAD exomes below 0.00001.
gnomAD v4.1: 2 of 1,600,252 alleles (0.00012%); highest among the groups gnomAD compares: Non-Finnish European, 0.00017%; no homozygotes.

Submission:

GeneDx
Classification: Uncertain significance. Last evaluated: 2022-12-28. Review status: criteria provided, single submitter. Criteria: GeneDx Variant Classification Process June 2021. Collection method: clinical testing. Allele origin: germline. Affected: yes.
Comment: Not observed at significant frequency in large population cohorts (gnomAD); In silico analysis supports that this missense variant does not alter protein structure/function; Has not been previously published as pathogenic or benign to our knowledge

NM_004974.4(KCNA2):c.1495G>A (p.Val499Ile)

Gene: KCNA2 (potassium voltage-gated channel subfamily A member 2; minus strand). Cytogenetic location: 1p13.3.
Variant type: single nucleotide variant.
Coding change: c.1495G>A on transcript NM_004974.4 (MANE Select); coding-DNA position 1495, G replaced by A.
Protein change: p.Val499Ile; replaces valine 499 with isoleucine.
Molecular consequence: missense variant. On other transcripts: intron variant (1).
Genome position (GRCh38, 1-based): chr1:110,603,288, C>T on the plus strand (G>A on the coding strand, the complement: KCNA2 is on the minus strand). VCF-style: chr1-110603288-C-T. GRCh37 (hg19) VCF-style: chr1-111145910-C-T.
Other names: c.894+601G>A (NM_001204269.2); short protein forms V499I.
Identifiers: ClinVar variation 2507265 (VCV002507265.1), dbSNP rs2524614273, ClinGen allele CA341599969.